The following is an entry in ClinVar:

NM_203303.3(ZCCHC13):c.24G>T (p.Ala8=)

Gene: ZCCHC13 (zinc finger CCHC-type containing 13; plus strand). Cytogenetic location: Xq13.2.
Variant type: single nucleotide variant.
Coding change: c.24G>T on transcript NM_203303.3 (MANE Select); coding-DNA position 24, G replaced by T.
Protein change: p.Ala8=; no amino-acid change (alanine 8 retained).
Molecular consequence: synonymous variant.
Genome position (GRCh38, 1-based): chrX:74,304,290, G>T. VCF-style: chrX-74304290-G-T. GRCh37 (hg19) VCF-style: chrX-73524125-G-T.
Identifiers: ClinVar variation 3039340 (VCV003039340.2), dbSNP rs573179813, ClinGen allele CA10454241.
Genomic context (GRCh38, chrX:74,304,290, plus strand): 5'-GAGGTGGGCCTGCTCATTGGAAGATCGCATCGCAGCCATGAGCAGTAAGGATTTCTTCGC[G>T]TGTGGACACTCTGGCCATTGGGCTCGGGGATGCCCTAGAGGAGGAGCTGGAGGGCGAAGA-3'
Protein context (NP_976048.1, residues 1-18): MSSKDFF[Ala8=]CGHSGHWARG

ClinVar aggregate classification (germline): Likely benign (0 of 4 stars; one submission).

Conditions:
ZCCHC13-related disorder. Also called: ZCCHC13-related condition.

Allele frequency attached by ClinVar (database versions not stated): TOPMed 0.00001; gnomAD 0.00005; ExAC 0.00027.
gnomAD v4.1: 116 of 1,206,319 alleles (0.0096%); highest among the groups gnomAD compares: South Asian, 0.18%; 1 homozygote.

Submission:

PreventionGenetics, part of Exact Sciences
Classification: Likely benign for ZCCHC13-related condition. Last evaluated: 2019-05-21. Review status: no assertion criteria provided. Collection method: clinical testing. Allele origin: germline.
Comment: This variant is classified as likely benign based on ACMG/AMP sequence variant interpretation guidelines (Richards et al. 2015 PMID: 25741868, with internal and published modifications).